The following is an entry in ClinVar:

ClinVar aggregate classification (germline): Uncertain significance (1 of 4 stars; one submission).

Conditions:
Familial encephalopathy with neuroserpin inclusion bodies. Also called: ENCEPHALOPATHY, FAMILIAL, WITH COLLINS BODIES. Identifiers: Orphanet 85110, MedGen C1858680, MONDO:0011412, OMIM 604218.

gnomAD v4.1: 7 of 1,612,434 alleles (0.00043%); highest among the groups gnomAD compares: Middle Eastern, 0.05%; 1 homozygote.

Submission:

Labcorp Genetics (formerly Invitae), Labcorp
Classification: Uncertain significance for Familial encephalopathy with neuroserpin inclusion bodies. Last evaluated: 2021-03-12. Review status: criteria provided, single submitter. Criteria: Invitae Variant Classification Sherloc (09022015). Collection method: clinical testing. Allele origin: germline.
Comment: This variant has not been reported in the literature in individuals with SERPINI1-related conditions. This variant is not present in population databases (ExAC no frequency). Advanced modeling of protein sequence and biophysical properties (such as structural, functional, and spatial information, amino acid conservation, physicochemical variation, residue mobility, and thermodynamic stability) performed at Invitae indicates that this missense variant is not expected to disrupt SERPINI1 protein function. In summary, the available evidence is currently insufficient to determine the role of this variant in disease. Therefore, it has been classified as a Variant of Uncertain Significance. This sequence change replaces methionine with isoleucine at codon 357 of the SERPINI1 protein (p.Met357Ile). The methionine residue is highly conserved and there is a small physicochemical difference between methionine and isoleucine.

NM_001122752.2(SERPINI1):c.1071G>C (p.Met357Ile)

Gene: SERPINI1 (serpin family I member 1; plus strand). Cytogenetic location: 3q26.1.
Variant type: single nucleotide variant.
Coding change: c.1071G>C on transcript NM_001122752.2 (MANE Select); coding-DNA position 1071, G replaced by C.
Protein change: p.Met357Ile; replaces methionine 357 with isoleucine.
Molecular consequence: missense variant.
Genome position (GRCh38, 1-based): chr3:167,824,477, G>C. VCF-style: chr3-167824477-G-C. GRCh37 (hg19) VCF-style: chr3-167542265-G-C.
Other names: c.1071G>C, p.Met357Ile (NM_005025.5); short protein forms M357I.
Identifiers: ClinVar variation 1515992 (VCV001515992.8), dbSNP rs1168773849, ClinGen allele CA355157796.
Genomic context (GRCh38, chr3:167,824,477, plus strand): 5'-ACTCATTAGTCTCTGCACATCCACAGACATATAATTACTTTTTATCTGCACTGTAGGAAT[G>C]ATTGCAATTAGTAGGATGGCTGTGCTGTATCCTCAAGTTATTGTCGACCATCCATTTTTC-3'
Protein context (NP_001116224.1, residues 347-367): EGSEAAAVSG[Met357Ile]IAISRMAVLY